The following is an entry in ClinVar:

NM_032531.4(KIRREL3):c.2332G>A (p.Val778Ile)

Gene: KIRREL3 (kirre like nephrin family adhesion molecule 3; minus strand). Cytogenetic location: 11q24.2.
Variant type: single nucleotide variant.
Coding change: c.2332G>A on transcript NM_032531.4 (MANE Select); coding-DNA position 2332, G replaced by A.
Protein change: p.Val778Ile; replaces valine 778 with isoleucine.
Molecular consequence: missense variant.
Genome position (GRCh38, 1-based): chr11:126,424,585, C>T on the plus strand (G>A on the coding strand, the complement: KIRREL3 is on the minus strand). VCF-style: chr11-126424585-C-T. GRCh37 (hg19) VCF-style: chr11-126294480-C-T.
Other names: c.2188G>A, p.Val730Ile (NM_001441261.1); c.2146G>A, p.Val716Ile (NM_001441262.1); c.2254G>A, p.Val752Ile (NM_001441260.1); c.2296G>A, p.Val766Ile (NM_001301097.2); c.2371G>A, p.Val791Ile (NM_001441251.1, NM_001441254.1); c.2440G>A, p.Val814Ile (NM_001441252.1); c.2407G>A, p.Val803Ile (NM_001441253.1); c.2365G>A, p.Val789Ile (NM_001441255.1); and 3 more; short protein forms V716I, V730I, V752I, V764I, V766I, V778I, V779I, V789I.
Identifiers: ClinVar variation 4888160 (VCV004888160.1).
Genomic context (GRCh38, chr11:126,424,585, plus strand): 5'-CCAGAACGTGCCCTGACCTCTTCCCTGGCCCGTCCCCACCCGCGGTGTGTGATCCTTAGA[C>T]GTGAGTCTGCATCCGCCGCTGCAGGGGTCGACTGGGGTCAGAGTTCTGGGACGAGGACTG-3'
Protein context (NP_115920.1, residues 768-778): RPLQRRMQTH[Val778Ile]

ClinVar aggregate classification (germline): Uncertain significance (1 of 4 stars; one submission).

gnomAD v4.1: 3 of 1,613,568 alleles (0.00019%); highest among the groups gnomAD compares: Non-Finnish European, 0.00017%; no homozygotes.

Submission:

GeneDx
Classification: Uncertain significance. Last evaluated: 2022-07-21. Review status: criteria provided, single submitter. Criteria: GeneDx Variant Classification Process June 2021. Collection method: clinical testing. Allele origin: germline.
Comment: Not observed at significant frequency in large population cohorts (gnomAD); In silico analysis supports that this missense variant does not alter protein structure/function; Has not been previously published as pathogenic or benign to our knowledge; Variants in candidate genes are classified as variants of uncertain significance in accordance with ACMG guidelines (Richards et al., 2015)